The following is an entry in ClinVar:

NM_000642.3(AGL):c.1979A>C (p.Tyr660Ser)

Gene: AGL (amylo-alpha-1,6-glucosidase and 4-alpha-glucanotransferase; plus strand). Cytogenetic location: 1p21.2.
Variant type: single nucleotide variant.
Coding change: c.1979A>C on transcript NM_000642.3 (MANE Select); coding-DNA position 1979, A replaced by C.
Protein change: p.Tyr660Ser; replaces tyrosine 660 with serine.
Molecular consequence: missense variant.
Genome position (GRCh38, 1-based): chr1:99,881,155, A>C. VCF-style: chr1-99881155-A-C. GRCh37 (hg19) VCF-style: chr1-100346711-A-C.
Other names: c.1979A>C, p.Tyr660Ser (NM_000028.3, NM_000643.3, NM_000644.3 and 2 more transcripts); c.1931A>C, p.Tyr644Ser (NM_000646.3); c.1778A>C, p.Tyr593Ser (NM_001425327.1); c.1775A>C, p.Tyr592Ser (NM_001425328.1, NM_001425329.1); c.1601A>C, p.Tyr534Ser (NM_001425332.1); short protein forms Y660S, Y644S, Y534S, Y592S, Y593S.
Identifiers: ClinVar variation 291335 (VCV000291335.15), dbSNP rs188519129, ClinGen allele CA966656.
Genomic context (GRCh38, chr1:99,881,155, plus strand): 5'-CTCTTCCAAGTACTACAATTGTTTCTATGGCATGTTGTGCTAGTGGAAGTACAAGAGGCT[A>C]TGATGAATTAGTGCCTCATCAGGTTTGTTTATATGTTGTTTCTTAAAACCTACATGGCCA-3'
Protein context (NP_000633.2, residues 650-670): ACCASGSTRG[Tyr660Ser]DELVPHQISV

ClinVar aggregate classification (germline): Uncertain significance. Review status: criteria provided, multiple submitters, no conflicts (2 of 4 stars). 5 submissions from 5 submitters: Uncertain significance (4). 1 of the submissions does not count toward it. Last evaluated 2025-03-28.

Conditions:
Inborn genetic diseases. Identifiers: MedGen C0950123, MeSH D030342.
Glycogen storage disease type III (GSD3). Also called: FORBES DISEASE; Cori disease. Identifiers: Orphanet 366, MedGen C0017922, MONDO:0009291, OMIM 232400.

Allele frequency attached by ClinVar (database versions not stated): gnomAD exomes below 0.00001 and 0.00001; gnomAD 0.00001; ExAC 0.00002; TOPMed 0.00004; 1000 Genomes Project 30x 0.00016; 1000 Genomes Project 0.00020.

Submissions (5):

Ambry Genetics
Classification: Uncertain significance for Inborn genetic diseases. Last evaluated: 2025-03-28. Review status: criteria provided, single submitter. Criteria: Ambry Variant Classification Scheme 2023. Collection method: clinical testing. Allele origin: germline.

Labcorp Genetics (formerly Invitae), Labcorp
Classification: Uncertain significance for Glycogen storage disease type III. Last evaluated: 2022-03-25. Review status: criteria provided, single submitter. Criteria: Invitae Variant Classification Sherloc (09022015). Collection method: clinical testing. Allele origin: germline.
Comment: This sequence change replaces tyrosine, which is neutral and polar, with serine, which is neutral and polar, at codon 660 of the AGL protein (p.Tyr660Ser). This variant is present in population databases (rs188519129, gnomAD 0.006%). This variant has not been reported in the literature in individuals affected with AGL-related conditions. ClinVar contains an entry for this variant (Variation ID: 291335). Algorithms developed to predict the effect of missense changes on protein structure and function are either unavailable or do not agree on the potential impact of this missense change (SIFT: "Deleterious"; PolyPhen-2: "Probably Damaging"; Align-GVGD: "Class C0"). In summary, the available evidence is currently insufficient to determine the role of this variant in disease. Therefore, it has been classified as a Variant of Uncertain Significance.

Genome-Nilou Lab
Classification: Uncertain significance for Glycogen storage disease type III. Last evaluated: 2021-07-15. Review status: criteria provided, single submitter. Criteria: ACMG Guidelines, 2015. Collection method: clinical testing. Allele origin: germline. Affected: no.

Illumina Laboratory Services, Illumina
Classification: Uncertain significance for Glycogen storage disease type III. Last evaluated: 2018-01-12. Review status: criteria provided, single submitter. Criteria: ICSL Variant Classification Criteria 13 December 2019. Collection method: clinical testing. Allele origin: germline.

Natera, Inc.
Classification: Uncertain significance for Glycogen storage disease type III. Last evaluated: 2020-01-07. Review status: no assertion criteria provided. Collection method: clinical testing. Allele origin: germline. Not counted in ClinVar's aggregate classification.